The following is an entry in ClinVar:

ClinVar aggregate classification (germline): Uncertain significance (1 of 4 stars; one submission).

Conditions:
Kleefstra syndrome 2 (KLEFS2). Identifiers: MedGen C4540395, MONDO:0054701, OMIM 617768.

gnomAD v4.1: 2 of 1,614,092 alleles (0.00012%); highest among the groups gnomAD compares: Non-Finnish European, 0.00017%; no homozygotes.

Submission:

Molecular Genetics, Royal Melbourne Hospital
Classification: Uncertain significance for Kleefstra syndrome 2. Last evaluated: 2021-08-10. Review status: criteria provided, single submitter. Criteria: ACMG Guidelines, 2015. Collection method: clinical testing. Allele origin: germline.
Comment: This sequence change is predicted to replace proline with serine at codon 1802 of the KMT2C protein (p.(Pro1802Ser)). The proline residue is moderately conserved (100 vertebrates, UCSC), and is not located in a know functional domain. There is a moderate physicochemical difference between proline and serine. The variant is absent in a large population cohort (gnomAD v2.1 and v3.1), and has not been reported in the relevant medical literature or databases. Multiple lines of computational evidence have conflicting predictions for the missense substitution (3/6 algorithms predict deleterious). Based on the classification scheme RMH Modified ACMG Guidelines v1.4.0, this variant is classified as a VARIANT OF UNCERTAIN SIGNIFICANCE. Following criteria are met: PM2_Supporting.

NM_170606.3(KMT2C):c.5404C>T (p.Pro1802Ser)

Gene: KMT2C (lysine methyltransferase 2C; minus strand). Cytogenetic location: 7q36.1.
Variant type: single nucleotide variant.
Coding change: c.5404C>T on transcript NM_170606.3 (MANE Select); coding-DNA position 5404, C replaced by T.
Protein change: p.Pro1802Ser; replaces proline 1802 with serine.
Molecular consequence: missense variant.
Genome position (GRCh38, 1-based): chr7:152,182,456, G>A on the plus strand (C>T on the coding strand, the complement: KMT2C is on the minus strand). VCF-style: chr7-152182456-G-A. GRCh37 (hg19) VCF-style: chr7-151879541-G-A.
Other names: short protein forms P1802S.
Identifiers: ClinVar variation 1676263 (VCV001676263.2), dbSNP rs1425340331, ClinGen allele CA370098955.